The following is an entry in ClinVar:

ClinVar aggregate classification (germline): Uncertain significance. Review status: criteria provided, multiple submitters, no conflicts (2 of 4 stars). 2 submissions from 2 submitters: Uncertain significance (2). Last evaluated 2024-12-09.

Conditions:
Bethlem myopathy 1A. Also called: Bethlem myopathy 1; MYOPATHY, BENIGN CONGENITAL, WITH CONTRACTURES; Bethlem Muscular Dystrophy. Identifiers: Orphanet 610, MedGen CN029274, MONDO:0024530, OMIM 158810.

gnomAD v4.1: 20 of 1,614,112 alleles (0.0012%); highest among the groups gnomAD compares: East Asian, 0.0045%; no homozygotes.

Submissions (2):

Labcorp Genetics (formerly Invitae), Labcorp
Classification: Uncertain significance for Bethlem myopathy 1A. Last evaluated: 2024-12-09. Review status: criteria provided, single submitter. Criteria: Invitae Variant Classification Sherloc (09022015). Collection method: clinical testing. Allele origin: germline.
Comment: This sequence change replaces arginine, which is basic and polar, with cysteine, which is neutral and slightly polar, at codon 1738 of the COL6A3 protein (p.Arg1738Cys). This variant is not present in population databases (gnomAD no frequency). This variant has not been reported in the literature in individuals affected with COL6A3-related conditions. Invitae Evidence Modeling of protein sequence and biophysical properties (such as structural, functional, and spatial information, amino acid conservation, physicochemical variation, residue mobility, and thermodynamic stability) indicates that this missense variant is expected to disrupt COL6A3 protein function with a positive predictive value of 80%. In summary, the available evidence is currently insufficient to determine the role of this variant in disease. Therefore, it has been classified as a Variant of Uncertain Significance.

Blueprint Genetics
Classification: Uncertain significance. Last evaluated: 2022-07-28. Review status: criteria provided, single submitter. Criteria: ACMG Guidelines, 2015. Collection method: clinical testing. Allele origin: germline.

NM_004369.4(COL6A3):c.5212C>T (p.Arg1738Cys)

Gene: COL6A3 (collagen type VI alpha 3 chain; minus strand). Cytogenetic location: 2q37.3.
Variant type: single nucleotide variant.
Coding change: c.5212C>T on transcript NM_004369.4 (MANE Select); coding-DNA position 5212, C replaced by T.
Protein change: p.Arg1738Cys; replaces arginine 1738 with cysteine.
Molecular consequence: missense variant.
Genome position (GRCh38, 1-based): chr2:237,366,975, G>A on the plus strand (C>T on the coding strand, the complement: COL6A3 is on the minus strand). VCF-style: chr2-237366975-G-A. GRCh37 (hg19) VCF-style: chr2-238275618-G-A.
Other names: c.3391C>T, p.Arg1131Cys (NM_057166.5); c.4594C>T, p.Arg1532Cys (NM_057167.4); short protein forms R1131C, R1532C, R1738C.
Identifiers: ClinVar variation 3674214 (VCV003674214.3).